The following is an entry in ClinVar:

ClinVar aggregate classification (germline): Likely benign (0 of 4 stars; one submission).

Conditions:
REV3L-related disorder. Also called: REV3L-related condition.

Allele frequency attached by ClinVar (database versions not stated): ExAC 0.00040; 1000 Genomes Project 30x 0.00047; 1000 Genomes Project 0.00060; TOPMed 0.00152; gnomAD 0.00163; ESP Exome Variant Server 0.00169.
gnomAD v4.1: 457 of 1,613,962 alleles (0.028%); highest among the groups gnomAD compares: African/African-American, 0.54%; no homozygotes.

Submission:

PreventionGenetics, part of Exact Sciences
Classification: Likely benign for REV3L-related condition. Last evaluated: 2019-06-26. Review status: no assertion criteria provided. Collection method: clinical testing. Allele origin: germline.
Comment: This variant is classified as likely benign based on ACMG/AMP sequence variant interpretation guidelines (Richards et al. 2015 PMID: 25741868, with internal and published modifications).

NM_001372078.1(REV3L):c.2688C>T (p.Asp896=)

Gene: REV3L (REV3 like, DNA directed polymerase zeta catalytic subunit; minus strand). Cytogenetic location: 6q21.
Variant type: single nucleotide variant.
Coding change: c.2688C>T on transcript NM_001372078.1 (MANE Select); coding-DNA position 2688, C replaced by T.
Protein change: p.Asp896=; no amino-acid change (aspartic acid 896 retained).
Molecular consequence: synonymous variant.
Genome position (GRCh38, 1-based): chr6:111,375,667, G>A on the plus strand (C>T on the coding strand, the complement: REV3L is on the minus strand). VCF-style: chr6-111375667-G-A. GRCh37 (hg19) VCF-style: chr6-111696870-G-A.
Other names: c.2454C>T, p.Asp818= (NM_001286431.2, NM_001286432.2); c.2688C>T, p.Asp896= (NM_002912.5).
Identifiers: ClinVar variation 3042483 (VCV003042483.2), dbSNP rs56365810, ClinGen allele CA3962328.